The following is an entry in ClinVar:

NM_003383.5(VLDLR):c.280G>A (p.Asp94Asn)

Gene: VLDLR (very low density lipoprotein receptor; plus strand). Cytogenetic location: 9p24.2.
Variant type: single nucleotide variant.
Coding change: c.280G>A on transcript NM_003383.5 (MANE Select); coding-DNA position 280, G replaced by A.
Protein change: p.Asp94Asn; replaces aspartic acid 94 with asparagine.
Molecular consequence: missense variant.
Genome position (GRCh38, 1-based): chr9:2,639,936, G>A. VCF-style: chr9-2639936-G-A. GRCh37 (hg19) VCF-style: chr9-2639936-G-A.
Other names: c.280G>A, p.Asp94Asn (NM_001018056.3, NM_001322225.2, NM_001322226.2); short protein forms D94N.
Identifiers: ClinVar variation 1349900 (VCV001349900.4), dbSNP rs762694893, ClinGen allele CA4964476.

ClinVar aggregate classification (germline): Uncertain significance (1 of 4 stars; one submission).

Allele frequency attached by ClinVar (database versions not stated): gnomAD exomes 0.00001; TOPMed 0.00002; ExAC 0.00001; gnomAD 0.00001.
gnomAD v4.1: 4 of 1,614,122 alleles (0.00025%); highest among the groups gnomAD compares: Non-Finnish European, 0.00034%; no homozygotes.

Submission:

Labcorp Genetics (formerly Invitae), Labcorp
Classification: Uncertain significance. Last evaluated: 2025-10-11. Review status: criteria provided, single submitter. Criteria: Invitae Variant Classification Sherloc (09022015). Collection method: clinical testing. Allele origin: germline.
Comment: This sequence change replaces aspartic acid, which is acidic and polar, with asparagine, which is neutral and polar, at codon 94 of the VLDLR protein (p.Asp94Asn). This variant is present in population databases (rs762694893, gnomAD 0.002%). This variant has not been reported in the literature in individuals affected with VLDLR-related conditions. ClinVar contains an entry for this variant (Variation ID: 1349900). An algorithm developed to predict the effect of missense changes on protein structure and function (PolyPhen-2) suggests that this variant is likely to be disruptive. In summary, the available evidence is currently insufficient to determine the role of this variant in disease. Therefore, it has been classified as a Variant of Uncertain Significance.